The following is an entry in ClinVar:

NM_001261826.3(AP3D1):c.2276C>T (p.Ser759Leu)

Gene: AP3D1 (adaptor related protein complex 3 subunit delta 1; minus strand). Cytogenetic location: 19p13.3.
Variant type: single nucleotide variant.
Coding change: c.2276C>T on transcript NM_001261826.3 (MANE Select); coding-DNA position 2276, C replaced by T.
Protein change: p.Ser759Leu; replaces serine 759 with leucine.
Molecular consequence: missense variant.
Genome position (GRCh38, 1-based): chr19:2,115,292, G>A on the plus strand (C>T on the coding strand, the complement: AP3D1 is on the minus strand). VCF-style: chr19-2115292-G-A. GRCh37 (hg19) VCF-style: chr19-2115291-G-A.
Other names: p.Ser759Leu; c.2276C>T, p.Ser759Leu (NM_001374799.1, NM_003938.8); c.2276C>T (NM_003938.5); short protein forms S759L.
Identifiers: ClinVar variation 1364011 (VCV001364011.10), dbSNP rs78506943, ClinGen allele CA9058945.

ClinVar aggregate classification (germline): Uncertain significance. Review status: criteria provided, multiple submitters, no conflicts (2 of 4 stars). 3 submissions from 3 submitters: Uncertain significance (3). Last evaluated 2026-01-16.

Conditions:
Inborn genetic diseases. Identifiers: MedGen C0950123, MeSH D030342.

Allele frequency attached by ClinVar (database versions not stated): gnomAD exomes 0.00003 and 0.00007; ExAC 0.00007; gnomAD 0.00023 and 0.00022; ESP Exome Variant Server 0.00024; TOPMed 0.00028; 1000 Genomes Project 30x 0.00031; 1000 Genomes Project 0.00020.
gnomAD v4.1: 86 of 1,613,224 alleles (0.0053%); highest among the groups gnomAD compares: African/African-American, 0.083%; no homozygotes.

Submissions (3):

Labcorp Genetics (formerly Invitae), Labcorp
Classification: Uncertain significance. Last evaluated: 2026-01-16. Review status: criteria provided, single submitter. Criteria: Invitae Variant Classification Sherloc (09022015). Collection method: clinical testing. Allele origin: germline.
Comment: This sequence change replaces serine, which is neutral and polar, with leucine, which is neutral and non-polar, at codon 759 of the AP3D1 protein (p.Ser759Leu). This variant is present in population databases (rs78506943, gnomAD 0.07%). This variant has not been reported in the literature in individuals affected with AP3D1-related conditions. ClinVar contains an entry for this variant (Variation ID: 1364011). An algorithm developed to predict the effect of missense changes on protein structure and function (PolyPhen-2) suggests that this variant is likely to be disruptive. In summary, the available evidence is currently insufficient to determine the role of this variant in disease. Therefore, it has been classified as a Variant of Uncertain Significance.

Ambry Genetics
Classification: Uncertain significance for Inborn genetic diseases. Last evaluated: 2025-01-27. Review status: criteria provided, single submitter. Criteria: Ambry Variant Classification Scheme 2023. Collection method: clinical testing. Allele origin: germline.

Mayo Clinic Laboratories, Mayo Clinic
Classification: Uncertain significance. Last evaluated: 2025-01-03. Review status: criteria provided, single submitter. Criteria: ACMG Guidelines, 2015. Collection method: clinical testing. Allele origin: germline. Observed: 2 variant alleles.
Comment: BP4, PM1_supporting, PM2_supporting